The following is an entry in ClinVar:

ClinVar aggregate classification (germline): Likely benign (0 of 4 stars; one submission).

Conditions:
MSH5-related disorder. Also called: MSH5-related condition.

Allele frequency attached by ClinVar (database versions not stated): ExAC 0.00005; gnomAD 0.00020; TOPMed 0.00023; ESP Exome Variant Server 0.00038.
gnomAD v4.1: 44 of 1,594,422 alleles (0.0028%); highest among the groups gnomAD compares: African/African-American, 0.052%; no homozygotes.

Submission:

PreventionGenetics, part of Exact Sciences
Classification: Likely benign for MSH5-related condition. Last evaluated: 2019-09-12. Review status: no assertion criteria provided. Collection method: clinical testing. Allele origin: germline.
Comment: This variant is classified as likely benign based on ACMG/AMP sequence variant interpretation guidelines (Richards et al. 2015 PMID: 25741868, with internal and published modifications).

NM_172166.4(MSH5):c.538-57C>T

Genes: MSH5 (mutS homolog 5; plus strand), MSH5-SAPCD1 (MSH5-SAPCD1 readthrough (NMD candidate); plus strand). Cytogenetic location: 6p21.33.
Variant type: single nucleotide variant.
Coding change: c.538-57C>T on transcript NM_172166.4 (MANE Select); 57 bases into the intron before coding-DNA position 538, C replaced by T.
Molecular consequence: intron variant.
Genome position (GRCh38, 1-based): chr6:31,744,133, C>T. VCF-style: chr6-31744133-C-T. GRCh37 (hg19) VCF-style: chr6-31711910-C-T.
Other names: c.538-57C>T (NM_002441.5, NM_172165.4); c.538-6C>T (NM_025259.6).
Identifiers: ClinVar variation 3040060 (VCV003040060.2), dbSNP rs374780489, ClinGen allele CA3721014.